The following is an entry in ClinVar:

NM_001370658.1(BTD):c.346del (p.Gln116fs)

Gene: BTD (biotinidase; plus strand). Cytogenetic location: 3p25.1.
Variant type: Deletion.
Coding change: c.346del on transcript NM_001370658.1 (MANE Select); coding-DNA position 346, one base deleted (C; older notation c.346delC).
Protein change: p.Gln116fs; shifts the reading frame from glutamine 116.
Molecular consequence: frameshift variant.
Genome position (GRCh38, 1-based): chr3:15,642,004, C deleted; the last of 4 consecutive C bases (chr3:15,642,001-15,642,004); deleting any one gives the same sequence. VCF-style (leftmost placement, unchanged base first): chr3-15642000-TC-T. GRCh37 (hg19) VCF-style: chr3-15683507-TC-T.
Other names: c.346del, p.Gln116fs (NM_001407379.1, NM_001407380.1, NM_001407382.1 and 36 more transcripts); c.409del, p.Gln137fs (NM_001407381.1); c.406del (NM_000060.4); short protein forms Q116fs, Q137fs.
Identifiers: ClinVar variation 2680358 (VCV002680358.6), dbSNP rs1404904752, ClinGen allele CA541347902.

ClinVar aggregate classification (germline): Pathogenic/Likely pathogenic. Review status: criteria provided, multiple submitters, no conflicts (2 of 4 stars). 6 submissions from 6 submitters: Pathogenic (3); Likely pathogenic (3). Last evaluated 2026-08-25.

Conditions:
BTD-related disorder. Also called: BTD-related condition.
Biotinidase deficiency. Also called: BTD deficiency; Late-onset biotin-responsive multiple carboxylase deficiency; Biotin deficiency. Identifiers: Orphanet 79241, MedGen C0220754, MONDO:0009665, OMIM 253260.

Submissions (6):

Myriad Genetics, Inc.
Classification: Pathogenic for Biotinidase deficiency. Last evaluated: 2026-08-25. Review status: criteria provided, single submitter. Criteria: Myriad Autosomal Dominant, Autosomal Recessive and X-Linked Classification Criteria (2023). Collection method: clinical testing. Allele origin: unknown.
Comment: NM_000060.2(BTD):c.406delC(Q136Rfs*23) is a frameshift variant classified as pathogenic in the context of biotinidase deficiency. Q136Rfs*23 has been observed in a case with relevant disease (PMID: 26810761). Relevant functional assessments of this variant are not available in the literature. Q136Rfs*23 has been observed in referenced population frequency databases. In summary, NM_000060.2(BTD):c.406delC(Q136Rfs*23) is a frameshift variant in a gene where loss of function is a known mechanism of disease, is predicted to disrupt protein function, and has been observed more frequently in cases with the relevant disease than in healthy populations. Please note: this variant was assessed in the context of healthy population screening.

Labcorp Genetics (formerly Invitae), Labcorp
Classification: Pathogenic for Biotinidase deficiency. Last evaluated: 2025-12-21. Review status: criteria provided, single submitter. Criteria: Invitae Variant Classification Sherloc (09022015). Collection method: clinical testing. Allele origin: germline.
Comment: This sequence change creates a premature translational stop signal (p.Gln136Argfs*23) in the BTD gene. While this is not anticipated to result in nonsense mediated decay, it is expected to disrupt the last 408 amino acid(s) of the BTD protein. This variant is present in population databases (no rsID available, gnomAD 0.0009%). This premature translational stop signal has been observed in individual(s) with biotinidase deficiency (PMID: 20549359, 26810761). ClinVar contains an entry for this variant (Variation ID: 2680358). This variant disrupts a region of the BTD protein in which other variant(s) (p.Asp543Glu) have been determined to be pathogenic (PMID: 22698809, 25174816, 25967232, 28498829). This suggests that this is a clinically significant region of the protein, and that variants that disrupt it are likely to be disease-causing. For these reasons, this variant has been classified as Pathogenic.

GeneDx
Classification: Likely pathogenic. Last evaluated: 2025-03-11. Review status: criteria provided, single submitter. Criteria: GeneDx Variant Classification Process June 2021. Collection method: clinical testing. Allele origin: germline. Affected: yes.
Comment: Reported using alternate nomenclature c.406delC in a study of BTD variants detected by a newborn screening program, however, specific details were not provided (PMID: 20549359); Frameshift variant predicted to result in abnormal protein length as the last 408 amino acid(s) are replaced with 22 different amino acid(s), and other similar variants have been reported in HGMD; Not observed at significant frequency in large population cohorts (gnomAD); This variant is associated with the following publications: (PMID: 20549359)

Blueprint Genetics
Classification: Likely pathogenic for BTD-related disorders. Last evaluated: 2024-06-06. Review status: criteria provided, single submitter. Criteria: ACMG Guidelines, 2015. Collection method: clinical testing. Allele origin: germline. Affected: yes. Observed: 1 variant allele.

Fulgent Genetics
Classification: Likely pathogenic for Biotinidase deficiency. Last evaluated: 2023-12-28. Review status: criteria provided, single submitter. Criteria: ACMG Guidelines, 2015. Collection method: clinical testing. Allele origin: germline.

Baylor Genetics
Classification: Pathogenic for Biotinidase deficiency. Last evaluated: 2023-04-28. Review status: criteria provided, single submitter. Criteria: ACMG Guidelines, 2015. Collection method: clinical testing. Allele origin: unknown.

Literature cited by the submitters: PubMed 26810761 (cited by Myriad Genetics, Inc. and Labcorp Genetics (formerly Invitae), Labcorp); PubMed 20549359 (cited by Labcorp Genetics (formerly Invitae), Labcorp); PubMed 22698809 (cited by Labcorp Genetics (formerly Invitae), Labcorp); PubMed 25174816 (cited by Labcorp Genetics (formerly Invitae), Labcorp); PubMed 25967232 (cited by Labcorp Genetics (formerly Invitae), Labcorp); PubMed 28498829 (cited by Labcorp Genetics (formerly Invitae), Labcorp).